The following is an entry in ClinVar:

NM_001134665.3(TRMT10A):c.934A>G (p.Ser312Gly)

Gene: TRMT10A (tRNA methyltransferase 10A; minus strand). Cytogenetic location: 4q23.
Variant type: single nucleotide variant.
Coding change: c.934A>G on transcript NM_001134665.3 (MANE Select); coding-DNA position 934, A replaced by G.
Protein change: p.Ser312Gly; replaces serine 312 with glycine.
Molecular consequence: missense variant.
Genome position (GRCh38, 1-based): chr4:99,549,174, T>C on the plus strand (A>G on the coding strand, the complement: TRMT10A is on the minus strand). VCF-style: chr4-99549174-T-C. GRCh37 (hg19) VCF-style: chr4-100470331-T-C.
Other names: c.934A>G, p.Ser312Gly (NM_001134666.3, NM_001375880.1, NM_001375881.1 and 1 more transcripts); c.913A>G, p.Ser305Gly (NM_001375882.1); c.934A>G (NM_152292.4); short protein forms S305G, S312G.
Identifiers: ClinVar variation 1338060 (VCV001338060.7), dbSNP rs151225187, ClinGen allele CA3021391.
Genomic context (GRCh38, chr4:99,549,174, plus strand): 5'-ATTCAGTGTGATTTTCCTTATCCTGCTTTTCTTCATGTGGTGAATCTAGTTCATTTCTGC[T>C]ATATTCCTCCTCACTGGAATCACTGTCCGATCCACCTTCCTCCATCCTGACAGACTGATT-3'
Protein context (NP_001128137.1, residues 302-322): SDSDSSEEEY[Ser312Gly]RNELDSPHEE

ClinVar aggregate classification (germline): Uncertain significance. Review status: criteria provided, multiple submitters, no conflicts (2 of 4 stars). 3 submissions from 3 submitters: Uncertain significance (3). Last evaluated 2024-04-18.

Conditions:
Inborn genetic diseases. Identifiers: MedGen C0950123, MeSH D030342.

Allele frequency attached by ClinVar (database versions not stated): ExAC 0.00003; gnomAD exomes 0.00007 and 0.00015; TOPMed 0.00010; gnomAD 0.00013 and 0.00014; ESP Exome Variant Server 0.00015.

Submissions (3):

Ambry Genetics
Classification: Uncertain significance for Inborn genetic diseases. Last evaluated: 2024-04-18. Review status: criteria provided, single submitter. Criteria: Ambry Variant Classification Scheme 2023. Collection method: clinical testing. Allele origin: germline.

Labcorp Genetics (formerly Invitae), Labcorp
Classification: Uncertain significance. Last evaluated: 2022-07-12. Review status: criteria provided, single submitter. Criteria: Invitae Variant Classification Sherloc (09022015). Collection method: clinical testing. Allele origin: germline.
Comment: This sequence change replaces serine, which is neutral and polar, with glycine, which is neutral and non-polar, at codon 312 of the TRMT10A protein (p.Ser312Gly). This variant is present in population databases (rs151225187, gnomAD 0.02%). This variant has not been reported in the literature in individuals affected with TRMT10A-related conditions. ClinVar contains an entry for this variant (Variation ID: 1338060). Algorithms developed to predict the effect of missense changes on protein structure and function output the following: SIFT: "Tolerated"; PolyPhen-2: "Benign"; Align-GVGD: "Class C0". The glycine amino acid residue is found in multiple mammalian species, which suggests that this missense change does not adversely affect protein function. In summary, the available evidence is currently insufficient to determine the role of this variant in disease. Therefore, it has been classified as a Variant of Uncertain Significance.

Genetic Services Laboratory, University of Chicago
Classification: Uncertain significance. Last evaluated: 2021-08-20. Review status: criteria provided, single submitter. Criteria: ACMG Guidelines, 2015. Collection method: clinical testing. Allele origin: germline. Affected: no.
Comment: This sequence change does not appear to have been previously described in patients with TRMT10A-related disorders and has been described in the gnomAD database with a low population frequency of 0.015% in the non-Finnish European subpopulation (dbSNP rs151225187). The p.Ser312Gly change affects a poorly conserved amino acid residue located in a domain of the TRMT10A protein that is not known to be functional. The p.Ser312Gly substitution appears to be benign using several in-silico pathogenicity prediction tools (SIFT, PolyPhen2, Align GVGD, REVEL). Due to these contrasting evidences and the lack of functional studies, the clinical significance of the p.Ser312Gly change remains unknown at this time.